The following is an entry in ClinVar:

ClinVar aggregate classification (germline): Likely benign (1 of 4 stars; one submission).

Conditions:
CELSR1-related disorder. Also called: CELSR1-related condition.

gnomAD v4.1: 58 of 1,612,236 alleles (0.0036%); highest among the groups gnomAD compares: East Asian, 0.042%; no homozygotes.

Submission:

PreventionGenetics, part of Exact Sciences
Classification: Likely benign for CELSR1-related condition. Last evaluated: 2025-06-25. Review status: criteria provided, single submitter. Criteria: ACMG Guidelines, 2015. Collection method: clinical testing. Allele origin: germline.
Comment: This variant is classified as likely benign based on ACMG/AMP sequence variant interpretation guidelines (Richards et al. 2015 PMID: 25741868, with internal and published modifications).

NM_001378328.1(CELSR1):c.8574C>T (p.His2858=)

Gene: CELSR1 (cadherin EGF LAG seven-pass G-type receptor 1; minus strand). Cytogenetic location: 22q13.31.
Variant type: single nucleotide variant.
Coding change: c.8574C>T on transcript NM_001378328.1 (MANE Select); coding-DNA position 8574, C replaced by T.
Protein change: p.His2858=; no amino-acid change (histidine 2858 retained).
Molecular consequence: synonymous variant.
Genome position (GRCh38, 1-based): chr22:46,364,717, G>A on the plus strand (C>T on the coding strand, the complement: CELSR1 is on the minus strand). VCF-style: chr22-46364717-G-A. GRCh37 (hg19) VCF-style: chr22-46760614-G-A.
Other names: c.8574C>T, p.His2858= (NM_014246.4).
Identifiers: ClinVar variation 4981822 (VCV004981822.1).